The following is an entry in ClinVar:

NM_033026.6(PCLO):c.5803A>G (p.Asn1935Asp)

Gene: PCLO (piccolo presynaptic cytomatrix protein; minus strand). Cytogenetic location: 7q21.11.
Variant type: single nucleotide variant.
Coding change: c.5803A>G on transcript NM_033026.6 (MANE Select); coding-DNA position 5803, A replaced by G.
Protein change: p.Asn1935Asp; replaces asparagine 1935 with aspartic acid.
Molecular consequence: missense variant.
Genome position (GRCh38, 1-based): chr7:82,955,150, T>C on the plus strand (A>G on the coding strand, the complement: PCLO is on the minus strand). VCF-style: chr7-82955150-T-C. GRCh37 (hg19) VCF-style: chr7-82584466-T-C.
Other names: c.5803A>G, p.Asn1935Asp (NM_014510.3); c.5803A>G (NM_033026.5); short protein forms N1935D.
Identifiers: ClinVar variation 1411913 (VCV001411913.6), dbSNP rs751042524, ClinGen allele CA161149861.

ClinVar aggregate classification (germline): Uncertain significance. Review status: criteria provided, multiple submitters, no conflicts (2 of 4 stars). 2 submissions from 2 submitters: Uncertain significance (2). Last evaluated 2023-06-26.

Conditions:
Inborn genetic diseases. Identifiers: MedGen C0950123, MeSH D030342.

Submissions (2):

Ambry Genetics
Classification: Uncertain significance for Inborn genetic diseases. Last evaluated: 2023-06-26. Review status: criteria provided, single submitter. Criteria: Ambry Variant Classification Scheme 2023. Collection method: clinical testing. Allele origin: germline.

Labcorp Genetics (formerly Invitae), Labcorp
Classification: Uncertain significance. Last evaluated: 2022-01-16. Review status: criteria provided, single submitter. Criteria: Invitae Variant Classification Sherloc (09022015). Collection method: clinical testing. Allele origin: germline.
Comment: This sequence change replaces asparagine, which is neutral and polar, with aspartic acid, which is acidic and polar, at codon 1935 of the PCLO protein (p.Asn1935Asp). This variant is present in population databases (no rsID available, gnomAD 0.0009%). This variant has not been reported in the literature in individuals affected with PCLO-related conditions. Algorithms developed to predict the effect of missense changes on protein structure and function are either unavailable or do not agree on the potential impact of this missense change (SIFT: "Tolerated"; PolyPhen-2: "Not Available"; Align-GVGD: "Class C0"). Algorithms developed to predict the effect of sequence changes on RNA splicing suggest that this variant may create or strengthen a splice site. In summary, the available evidence is currently insufficient to determine the role of this variant in disease. Therefore, it has been classified as a Variant of Uncertain Significance.